The following is an entry in ClinVar:

ClinVar aggregate classification (germline): Uncertain significance (1 of 4 stars; one submission).

Submission:

Labcorp Genetics (formerly Invitae), Labcorp
Classification: Uncertain significance. Last evaluated: 2023-09-30. Review status: criteria provided, single submitter. Criteria: Invitae Variant Classification Sherloc (09022015). Collection method: clinical testing. Allele origin: germline.
Comment: This sequence change replaces glycine, which is neutral and non-polar, with aspartic acid, which is acidic and polar, at codon 1265 of the ALPK3 protein (p.Gly1265Asp). This variant is not present in population databases (gnomAD no frequency). This variant has not been reported in the literature in individuals affected with ALPK3-related conditions. Advanced modeling of protein sequence and biophysical properties (such as structural, functional, and spatial information, amino acid conservation, physicochemical variation, residue mobility, and thermodynamic stability) performed at Invitae indicates that this missense variant is not expected to disrupt ALPK3 protein function. In summary, the available evidence is currently insufficient to determine the role of this variant in disease. Therefore, it has been classified as a Variant of Uncertain Significance.

NM_020778.5(ALPK3):c.3188G>A (p.Gly1063Asp)

Gene: ALPK3 (alpha kinase 3; plus strand). Cytogenetic location: 15q25.3.
Variant type: single nucleotide variant.
Coding change: c.3188G>A on transcript NM_020778.5 (MANE Select); coding-DNA position 3188, G replaced by A.
Protein change: p.Gly1063Asp; replaces glycine 1063 with aspartic acid.
Molecular consequence: missense variant.
Genome position (GRCh38, 1-based): chr15:84,857,926, G>A. VCF-style: chr15-84857926-G-A. GRCh37 (hg19) VCF-style: chr15-85401157-G-A.
Other names: short protein forms G1063D.
Identifiers: ClinVar variation 2764567 (VCV002764567.3), dbSNP rs1396914884, ClinGen allele CA393359768.